The following is an entry in ClinVar:

NM_012310.5(KIF4A):c.925A>T (p.Met309Leu)

Gene: KIF4A (kinesin family member 4A; plus strand). Cytogenetic location: Xq13.1.
Variant type: single nucleotide variant.
Coding change: c.925A>T on transcript NM_012310.5 (MANE Select); coding-DNA position 925, A replaced by T.
Protein change: p.Met309Leu; replaces methionine 309 with leucine.
Molecular consequence: missense variant.
Genome position (GRCh38, 1-based): chrX:70,330,186, A>T. VCF-style: chrX-70330186-A-T. GRCh37 (hg19) VCF-style: chrX-69550036-A-T.
Other names: short protein forms M309L.
Identifiers: ClinVar variation 3048768 (VCV003048768.3), dbSNP rs764770221, ClinGen allele CA10441052.

ClinVar aggregate classification (germline): Uncertain significance. Review status: criteria provided, single submitter (1 of 4 stars). 2 submissions from 2 submitters: Uncertain significance (1). 1 of the submissions does not count toward it. Last evaluated 2023-10-03.

Conditions:
KIF4A-related disorder. Also called: KIF4A-related condition.

Allele frequency attached by ClinVar (database versions not stated): gnomAD 0.00003; gnomAD exomes 0.00003; TOPMed 0.00006; ExAC 0.00019.
gnomAD v4.1: 40 of 1,206,092 alleles (0.0033%); highest among the groups gnomAD compares: Admixed American, 0.084%; no homozygotes.

Submissions (2):

Ambry Genetics
Classification: Uncertain significance. Last evaluated: 2023-10-03. Review status: criteria provided, single submitter. Criteria: Ambry Variant Classification Scheme 2023. Collection method: clinical testing. Allele origin: germline.

PreventionGenetics, part of Exact Sciences
Classification: Likely benign for KIF4A-related condition. Last evaluated: 2022-05-23. Review status: no assertion criteria provided. Collection method: clinical testing. Allele origin: germline. Not counted in ClinVar's aggregate classification.
Comment: This variant is classified as likely benign based on ACMG/AMP sequence variant interpretation guidelines (Richards et al. 2015 PMID: 25741868, with internal and published modifications).